The following is an entry in ClinVar:

Conditions:
Breast-ovarian cancer, familial, susceptibility to, 1 (BROVCA1). Also called: BRCA1 Hereditary Breast and Ovarian Cancer; OVARIAN CANCER, SUSCEPTIBILITY TO. Identifiers: Orphanet 145, MedGen C2676676, MONDO:0011450, OMIM 604370. Disease mechanism: loss of function.

Submission:

Brotman Baty Institute, University of Washington
No classification provided (evidence only). Condition: Breast-ovarian cancer, familial 1. Review status: no classification provided. Collection method: in vitro. Allele origin: not applicable. Functional consequence: functionally_normal.
ClinVar note: "not provided" was previously submitted as the classification for the variant. However, the classification appeared to be based only on an observation of functional data so it was converted to no classification on 2025-07-30.

NM_007294.4(BRCA1):c.81-5G>T

Gene: BRCA1 (BRCA1 DNA repair associated; minus strand). Cytogenetic location: 17q21.31.
Variant type: single nucleotide variant.
Coding change: c.81-5G>T on transcript NM_007294.4 (MANE Select); 5 bases into the intron before coding-DNA position 81, G replaced by T.
Molecular consequence: intron variant.
Genome position (GRCh38, 1-based): chr17:43,115,784, C>A on the plus strand (G>T on the coding strand, the complement: BRCA1 is on the minus strand). VCF-style: chr17-43115784-C-A. GRCh37 (hg19) VCF-style: chr17-41267801-C-A.
Other names: c.-61-5G>T (NM_001408458.1, NM_001408470.1, NM_001407848.1 and 47 more transcripts); c.-219+9493G>T (NM_001407967.1); c.-170+9493G>T (NM_001407959.1); c.-7-9251G>T (NM_001407931.1, NM_001407747.1, NM_001408511.1 and 2 more transcripts); c.-223-5G>T (NM_001407962.1, NM_001408512.1, NM_001408510.1 and 1 more transcripts); c.-108-5G>T (NM_001407885.1, NM_001407886.1, NM_001408509.1 and 52 more transcripts); c.-177-5G>T (NM_001407746.1, NM_001408468.1, NM_001407842.1 and 13 more transcripts); c.-8+8233G>T (NM_001408461.1, NM_001407738.1, NM_001407932.1 and 23 more transcripts); and 10 more.
Identifiers: ClinVar variation 868116 (VCV000868116.3), dbSNP rs1555599296, ClinGen allele CA916081033.